The following is an entry in ClinVar:

ClinVar aggregate classification (germline): Uncertain significance (1 of 4 stars; one submission).

gnomAD v4.1: 8 of 1,610,846 alleles (0.0005%); highest among the groups gnomAD compares: Admixed American, 0.0017%; no homozygotes.

Submission:

Ambry Genetics
Classification: Uncertain significance. Last evaluated: 2024-12-08. Review status: criteria provided, single submitter. Criteria: Ambry Variant Classification Scheme 2023. Collection method: clinical testing. Allele origin: germline.
Comment: The p.G1983R variant (also known as c.5947G>C), located in coding exon 24 of the WNK2 gene, results from a G to C substitution at nucleotide position 5947. The glycine at codon 1983 is replaced by arginine, an amino acid with dissimilar properties. This amino acid position is conserved. In addition, this alteration is predicted to be tolerated by in silico analysis. Based on the available evidence, the clinical significance of this variant remains unclear.

NM_006648.4(WNK2):c.5947G>C (p.Gly1983Arg)

Gene: WNK2 (WNK lysine deficient protein kinase 2; plus strand). Cytogenetic location: 9q22.31.
Variant type: single nucleotide variant.
Coding change: c.5947G>C on transcript NM_006648.4 (MANE Select); coding-DNA position 5947, G replaced by C.
Protein change: p.Gly1983Arg; replaces glycine 1983 with arginine.
Molecular consequence: missense variant.
Genome position (GRCh38, 1-based): chr9:93,299,093, G>C. VCF-style: chr9-93299093-G-C. GRCh37 (hg19) VCF-style: chr9-96061375-G-C.
Other names: c.6058G>C, p.Gly2020Arg (NM_001282394.3); short protein forms G1983R, G2020R.
Identifiers: ClinVar variation 3470650 (VCV003470650.1).